The following is an entry in ClinVar:

NM_004177.5(STX3):c.748A>C (p.Thr250Pro)

Gene: STX3 (syntaxin 3; plus strand). Cytogenetic location: 11q12.1.
Variant type: single nucleotide variant.
Coding change: c.748A>C on transcript NM_004177.5 (MANE Select); coding-DNA position 748, A replaced by C.
Protein change: p.Thr250Pro; replaces threonine 250 with proline.
Molecular consequence: missense variant.
Genome position (GRCh38, 1-based): chr11:59,795,444, A>C. VCF-style: chr11-59795444-A-C. GRCh37 (hg19) VCF-style: chr11-59562917-A-C.
Other names: c.748A>C, p.Thr250Pro (NM_001178040.3); short protein forms T250P.
Identifiers: ClinVar variation 2075397 (VCV002075397.4), dbSNP rs2495577898, ClinGen allele CA380800089.

ClinVar aggregate classification (germline): Uncertain significance (1 of 4 stars; one submission).

Submission:

Labcorp Genetics (formerly Invitae), Labcorp
Classification: Uncertain significance. Last evaluated: 2022-01-05. Review status: criteria provided, single submitter. Criteria: Invitae Variant Classification Sherloc (09022015). Collection method: clinical testing. Allele origin: germline.
Comment: This variant has not been reported in the literature in individuals affected with STX3-related conditions. In summary, the available evidence is currently insufficient to determine the role of this variant in disease. Therefore, it has been classified as a Variant of Uncertain Significance. Algorithms developed to predict the effect of missense changes on protein structure and function (SIFT, PolyPhen-2, Align-GVGD) all suggest that this variant is likely to be disruptive. This variant is not present in population databases (gnomAD no frequency). This sequence change replaces threonine, which is neutral and polar, with proline, which is neutral and non-polar, at codon 250 of the STX3 protein (p.Thr250Pro).